The following is an entry in ClinVar:

NM_001081.4(CUBN):c.73G>A (p.Ala25Thr)

Gene: CUBN (cubilin; minus strand). Cytogenetic location: 10p13.
Variant type: single nucleotide variant.
Coding change: c.73G>A on transcript NM_001081.4 (MANE Select); coding-DNA position 73, G replaced by A.
Protein change: p.Ala25Thr; replaces alanine 25 with threonine.
Molecular consequence: missense variant.
Genome position (GRCh38, 1-based): chr10:17,129,693, C>T on the plus strand (G>A on the coding strand, the complement: CUBN is on the minus strand). VCF-style: chr10-17129693-C-T. GRCh37 (hg19) VCF-style: chr10-17171692-C-T.
Other names: short protein forms A25T.
Identifiers: ClinVar variation 2171429 (VCV002171429.1), dbSNP rs1400666306, ClinGen allele CA376170007.

ClinVar aggregate classification (germline): Uncertain significance (1 of 4 stars; one submission).

Conditions:
Imerslund-Grasbeck syndrome. Also called: Megaloblastic anemia due to inborn errors of metabolism; ENTEROCYTE COBALAMIN MALABSORPTION; ENTEROCYTE INTRINSIC FACTOR RECEPTOR, DEFECT OF; Imerslund-Gräsbeck syndrome; PERNICIOUS ANEMIA, JUVENILE, DUE TO SELECTIVE INTESTINAL MALABSORPTION OF VITAMIN B12, WITH PROTEINURIA. Identifiers: Orphanet 35858, MedGen C4551825, MONDO:0009853.

Allele frequency attached by ClinVar (database versions not stated): gnomAD exomes 0.00001; gnomAD 0.00004; TOPMed 0.00012.
gnomAD v4.1: 25 of 1,613,980 alleles (0.0015%); highest among the groups gnomAD compares: Admixed American, 0.037%; no homozygotes.

Submission:

Labcorp Genetics (formerly Invitae), Labcorp
Classification: Uncertain significance for Imerslund-Grasbeck syndrome. Last evaluated: 2022-02-28. Review status: criteria provided, single submitter. Criteria: Invitae Variant Classification Sherloc (09022015). Collection method: clinical testing. Allele origin: germline.
Comment: This sequence change replaces alanine, which is neutral and non-polar, with threonine, which is neutral and polar, at codon 25 of the CUBN protein (p.Ala25Thr). This variant is present in population databases (no rsID available, gnomAD 0.02%). This variant has not been reported in the literature in individuals affected with CUBN-related conditions. Algorithms developed to predict the effect of missense changes on protein structure and function output the following: SIFT: "Tolerated"; PolyPhen-2: "Benign"; Align-GVGD: "Class C0". The threonine amino acid residue is found in multiple mammalian species, which suggests that this missense change does not adversely affect protein function. In summary, the available evidence is currently insufficient to determine the role of this variant in disease. Therefore, it has been classified as a Variant of Uncertain Significance.